The following is an entry in ClinVar:

ClinVar aggregate classification (germline): Conflicting classifications of pathogenicity. Review status: criteria provided, conflicting classifications (1 of 4 stars). 2 submissions from 2 submitters: Likely pathogenic (1); Uncertain significance (1). Last evaluated 2023-10-27.

Allele frequency attached by ClinVar (database versions not stated): gnomAD exomes below 0.00001 and 0.00001; gnomAD 0.00001; TOPMed 0.00001.
gnomAD v4.1: 6 of 1,558,206 alleles (0.00039%); highest among the groups gnomAD compares: Admixed American, 0.0077%; no homozygotes.

Submissions (2):

Women's Health and Genetics/Laboratory Corporation of America, LabCorp
Classification: Uncertain significance. Last evaluated: 2023-10-27. Review status: criteria provided, single submitter. Criteria: LabCorp Variant Classification Summary - May 2015. Collection method: clinical testing. Allele origin: germline.
Comment: Variant summary: ABCC8 c.4225A>G (p.Ile1409Val) results in a conservative amino acid change in the encoded protein sequence. Four of five in-silico tools predict a damaging effect of the variant on protein function. The variant allele was found at a frequency of 6e-06 in 165296 control chromosomes. The available data on variant occurrences in the general population are insufficient to allow any conclusion about variant significance. c.4225A>G has been reported in the literature in one individual affected with Maturity-onset diabetes of the young (example, Globa_2017), without strong evidence for causality. These report(s) do not provide unequivocal conclusions about association of the variant with Familial Hyperinsulinism. To our knowledge, no experimental evidence demonstrating an impact on protein function has been reported. The following publication have been ascertained in the context of this evaluation (PMID: 28862987). One submitter has cited clinical-significance assessments for this variant to ClinVar after 2014 and has classified the variant as likely pathogenic. Based on the evidence outlined above, the variant was classified as uncertain significance.

Genetic Services Laboratory, University of Chicago
Classification: Likely pathogenic. Last evaluated: 2020-02-27. Review status: criteria provided, single submitter. Criteria: ACMG Guidelines, 2015. Collection method: clinical testing. Allele origin: germline. Affected: yes.
Comment: DNA sequence analysis of the ABCC8 gene demonstrated a sequence change, c.4225A>G, in exon 35 that results in an amino acid change, p.Ile1409Val. This sequence change is reported in the gnomAD database in one individual (dbSNP rs776100468). While this exact sequence change does not appear to have been previously described in patients with ABCC8-related disorders, a different amino acid change affecting the same codon, p.Ile1409Phe, has been reported in an individual with diffuse CHI in the compound heterozygous state with a different ABCC8 variant (PMID: 20685672). The p.Ile1409Val change affects a highly conserved amino acid residue located in a domain of the ABCC8 protein that is known to be functional and in which other pathogenic sequence variants have been reported in patients with CHI. The p.Ile1409Val substitution appears to be deleterious using several in-silico pathogenicity prediction tools (SIFT, PolyPhen2, Align GVGD, REVEL). This collective evidence indicates that this variant is likely to be causative of this patient√¢‚Ç¨‚Ñ¢s CHI phenotype.

Literature cited by the submitters: PubMed 28862987 (cited by Women's Health and Genetics/Laboratory Corporation of America, LabCorp).

NM_000352.6(ABCC8):c.4225A>G (p.Ile1409Val)

Gene: ABCC8 (ATP binding cassette subfamily C member 8; minus strand). Cytogenetic location: 11p15.1.
Variant type: single nucleotide variant.
Coding change: c.4225A>G on transcript NM_000352.6 (MANE Select); coding-DNA position 4225, A replaced by G.
Protein change: p.Ile1409Val; replaces isoleucine 1409 with valine.
Molecular consequence: missense variant. On other transcripts: non-coding transcript variant (1).
Genome position (GRCh38, 1-based): chr11:17,395,692, T>C on the plus strand (A>G on the coding strand, the complement: ABCC8 is on the minus strand). VCF-style: chr11-17395692-T-C. GRCh37 (hg19) VCF-style: chr11-17417239-T-C.
Other names: c.4228A>G, p.Ile1410Val (NM_001287174.3); c.4291A>G, p.Ile1431Val (NM_001351295.2); c.4225A>G, p.Ile1409Val (NM_001351296.2); c.4222A>G, p.Ile1408Val (NM_001351297.2); short protein forms I1408V, I1409V, I1410V, I1431V.
Identifiers: ClinVar variation 1338569 (VCV001338569.5), dbSNP rs776100468, ClinGen allele CA5902528.
Genomic context (GRCh38, chr11:17,395,692, plus strand): 5'-CGGGGTCCTGCAGGATGATGGAGAGGCGTGAGCGCAGGGTGTGCAGCGGCAGTTTGGCGA[T>C]GTCAATGCCATCAATGATGATGTGCCCTGCATGGGTCCCAGTGAGGGTGCAGGGGAAGGC-3'
Protein context (NP_000343.2, residues 1399-1419): EGHIIIDGID[Ile1409Val]AKLPLHTLRS